The following is an entry in ClinVar:

NM_005535.3(IL12RB1):c.1897G>T (p.Glu633Ter)

Gene: IL12RB1 (interleukin 12 receptor subunit beta 1; minus strand). Cytogenetic location: 19p13.11.
Variant type: single nucleotide variant.
Coding change: c.1897G>T on transcript NM_005535.3 (MANE Select); coding-DNA position 1897, G replaced by T.
Protein change: p.Glu633Ter; replaces glutamic acid 633 with a stop codon.
Molecular consequence: nonsense.
Genome position (GRCh38, 1-based): chr19:18,059,980, C>A on the plus strand (G>T on the coding strand, the complement: IL12RB1 is on the minus strand). VCF-style: chr19-18059980-C-A. GRCh37 (hg19) VCF-style: chr19-18170790-C-A.
Other names: c.1897G>T, p.Glu633Ter (NM_001290023.2); c.2017G>T, p.Glu673Ter (NM_001290024.2); short protein forms E633*, E673*.
Identifiers: ClinVar variation 2786378 (VCV002786378.5), dbSNP rs772340282, ClinGen allele CA9304652.

ClinVar aggregate classification (germline): Pathogenic/Likely pathogenic. Review status: criteria provided, multiple submitters, no conflicts (2 of 4 stars). 2 submissions from 2 submitters: Pathogenic (1); Likely pathogenic (1). Last evaluated 2023-06-04.

Conditions:
Mendelian susceptibility to mycobacterial diseases due to complete IL12RB1 deficiency. Also called: IL12RB1 DEFICIENCY; Immunodeficiency 30. Identifiers: Orphanet 319552, MedGen C4013949, MONDO:0013955, OMIM 614891.

gnomAD v4.1: 5 of 1,600,412 alleles (0.00031%); highest among the groups gnomAD compares: East Asian, 0.011%; no homozygotes.

Submissions (2):

Labcorp Genetics (formerly Invitae), Labcorp
Classification: Pathogenic for Mendelian susceptibility to mycobacterial diseases due to complete IL12RB1 deficiency. Last evaluated: 2023-06-04. Review status: criteria provided, single submitter. Criteria: Invitae Variant Classification Sherloc (09022015). Collection method: clinical testing. Allele origin: germline.
Comment: This sequence change creates a premature translational stop signal (p.Glu633*) in the IL12RB1 gene. It is expected to result in an absent or disrupted protein product. Loss-of-function variants in IL12RB1 are known to be pathogenic (PMID: 9603733, 12591909). The frequency data for this variant in the population databases is considered unreliable, as metrics indicate poor data quality at this position in the gnomAD database. This variant has not been reported in the literature in individuals affected with IL12RB1-related conditions. For these reasons, this variant has been classified as Pathogenic.

Juno Genomics, Hangzhou Juno Genomics, Inc
Classification: Likely pathogenic for Mendelian susceptibility to mycobacterial diseases due to complete IL12RB1 deficiency. Review status: criteria provided, single submitter. Criteria: ACMG Guidelines, 2015. Collection method: clinical testing. Allele origin: germline.
Comment: Null variant in a gene where loss of function (LOF) is a known mechanism of disease.;Absent from controls (or at extremely low frequency if recessive) in Genome Aggregation Database.

Literature cited by the submitters: PubMed 9603733 (cited by Labcorp Genetics (formerly Invitae), Labcorp); PubMed 12591909 (cited by Labcorp Genetics (formerly Invitae), Labcorp).